The following is an entry in ClinVar:

ClinVar aggregate classification (germline): Uncertain significance (1 of 4 stars; one submission).

Conditions:
Dyskeratosis congenita. Identifiers: Orphanet 1775, MedGen C0265965, MONDO:0015780.

Allele frequency attached by ClinVar (database versions not stated): gnomAD exomes below 0.00001 and 0.00001; gnomAD 0.00001; TOPMed 0.00001.
gnomAD v4.1: 4 of 1,612,772 alleles (0.00025%); highest among the groups gnomAD compares: Non-Finnish European, 0.00034%; no homozygotes.

Submission:

Labcorp Genetics (formerly Invitae), Labcorp
Classification: Uncertain significance for Dyskeratosis congenita. Last evaluated: 2022-10-22. Review status: criteria provided, single submitter. Criteria: Invitae Variant Classification Sherloc (09022015). Collection method: clinical testing. Allele origin: germline.
Comment: This sequence change replaces methionine, which is neutral and non-polar, with threonine, which is neutral and polar, at codon 79 of the NHP2 protein (p.Met79Thr). This variant is present in population databases (no rsID available, gnomAD 0.002%). Algorithms developed to predict the effect of missense changes on protein structure and function (SIFT, PolyPhen-2, Align-GVGD) all suggest that this variant is likely to be tolerated. In summary, the available evidence is currently insufficient to determine the role of this variant in disease. Therefore, it has been classified as a Variant of Uncertain Significance. ClinVar contains an entry for this variant (Variation ID: 1403254). This variant has not been reported in the literature in individuals affected with NHP2-related conditions.

NM_017838.4(NHP2):c.236T>C (p.Met79Thr)

Gene: NHP2 (NHP2 ribonucleoprotein; minus strand). Cytogenetic location: 5q35.3.
Variant type: single nucleotide variant.
Coding change: c.236T>C on transcript NM_017838.4 (MANE Select); coding-DNA position 236, T replaced by C.
Protein change: p.Met79Thr; replaces methionine 79 with threonine.
Molecular consequence: missense variant. On other transcripts: intron variant (1).
Genome position (GRCh38, 1-based): chr5:178,150,988, A>G on the plus strand (T>C on the coding strand, the complement: NHP2 is on the minus strand). VCF-style: chr5-178150988-A-G. GRCh37 (hg19) VCF-style: chr5-177577989-A-G.
Other names: c.231-1150T>C (NM_001034833.2); short protein forms M79T.
Identifiers: ClinVar variation 1403254 (VCV001403254.8), dbSNP rs1426285845, ClinGen allele CA362391928.